The following is an entry in ClinVar:

ClinVar aggregate classification (germline): Pathogenic (1 of 4 stars; one submission).

Submission:

Labcorp Genetics (formerly Invitae), Labcorp
Classification: Pathogenic. Last evaluated: 2025-09-15. Review status: criteria provided, single submitter. Criteria: Invitae Variant Classification Sherloc (09022015). Collection method: clinical testing. Allele origin: germline.
Comment: This sequence change creates a premature translational stop signal (p.Asp1123*) in the POLE gene. It is expected to result in an absent or disrupted protein product. Loss-of-function variants in POLE are known to be pathogenic (PMID: 23230001, 25948378, 30503519). This variant is not present in population databases (gnomAD no frequency). This variant has not been reported in the literature in individuals affected with POLE-related conditions. For these reasons, this variant has been classified as Pathogenic.

Literature cited by the submitters: PubMed 23230001; PubMed 25948378; PubMed 30503519.

NM_006231.4(POLE):c.3366dup (p.Asp1123Ter)

Gene: POLE (DNA polymerase epsilon, catalytic subunit; minus strand). Cytogenetic location: 12q24.33.
Variant type: Duplication.
Coding change: c.3366dup on transcript NM_006231.4 (MANE Select); coding-DNA position 3366, one base duplicated (T; older notation c.3366dupT).
Protein change: p.Asp1123Ter; replaces aspartic acid 1123 with a stop codon.
Molecular consequence: nonsense.
Genome position (GRCh38, 1-based): chr12:132,657,880, A duplicated on the plus strand (T on the coding strand, the reverse complement: POLE is on the minus strand); the first of 3 consecutive A bases (chr12:132,657,880-132,657,882); duplicating any one gives the same sequence. VCF-style (leftmost placement, unchanged base first): chr12-132657879-C-CA. GRCh37 (hg19) VCF-style: chr12-133234465-C-CA.
Other names: short protein forms D1123*.
Identifiers: ClinVar variation 4727195 (VCV004727195.1).